The following is an entry in ClinVar:

NM_001854.4(COL11A1):c.565C>A (p.Pro189Thr)

Gene: COL11A1 (collagen type XI alpha 1 chain; minus strand). Cytogenetic location: 1p21.1.
Variant type: single nucleotide variant.
Coding change: c.565C>A on transcript NM_001854.4 (MANE Select); coding-DNA position 565, C replaced by A.
Protein change: p.Pro189Thr; replaces proline 189 with threonine.
Molecular consequence: missense variant. On other transcripts: non-coding transcript variant (1).
Genome position (GRCh38, 1-based): chr1:103,074,704, G>T on the plus strand (C>A on the coding strand, the complement: COL11A1 is on the minus strand). VCF-style: chr1-103074704-G-T. GRCh37 (hg19) VCF-style: chr1-103540260-G-T.
Other names: c.565C>A, p.Pro189Thr (NM_001190709.2, NM_080629.3, NM_080630.4); short protein forms P189T.
Identifiers: ClinVar variation 1210810 (VCV001210810.8), dbSNP rs201557468, ClinGen allele CA27752859.

ClinVar aggregate classification (germline): Conflicting classifications of pathogenicity. Review status: criteria provided, conflicting classifications (1 of 4 stars). 2 submissions from 2 submitters: Uncertain significance (1); Benign (1). Last evaluated 2025-06-22.

gnomAD v4.1: 39 of 1,613,150 alleles (0.0024%); highest among the groups gnomAD compares: Non-Finnish European, 0.00093%; 1 homozygote.

Submissions (2):

Labcorp Genetics (formerly Invitae), Labcorp
Classification: Benign. Last evaluated: 2025-06-22. Review status: criteria provided, single submitter. Criteria: Invitae Variant Classification Sherloc (09022015). Collection method: clinical testing. Allele origin: germline.

GeneDx
Classification: Uncertain significance. Last evaluated: 2019-02-13. Review status: criteria provided, single submitter. Criteria: GeneDx Variant Classification Process June 2021. Collection method: clinical testing. Allele origin: germline. Affected: yes.
Comment: In silico analysis, which includes protein predictors and evolutionary conservation, supports a deleterious effect; The P189T variant has not been published as pathogenic or been reported as benign to our knowledge.; The P189T variant is observed globally at a frequency of 0.003% (8/276,754 alleles), and at a frequency of 0.06% (6/10,148 alleles) in individuals of Ashkenazi Jewish background in large population cohorts (Lek et al., 2016).